The following is an entry in ClinVar:

ClinVar aggregate classification (germline): Likely benign. Review status: criteria provided, multiple submitters, no conflicts (2 of 4 stars). 2 submissions from 2 submitters: Likely benign (2). Last evaluated 2025-02-27.

Conditions:
ALG9 congenital disorder of glycosylation (CDG1L). Also called: CDG Il; CONGENITAL DISORDER OF GLYCOSYLATION, TYPE Il; ALG9-CDG. Identifiers: Orphanet 79328, MedGen C2931006, MONDO:0012117, OMIM 608776.

Allele frequency attached by ClinVar (database versions not stated): gnomAD exomes 0.00004; ExAC 0.00006; gnomAD 0.00008 and 0.00009; TOPMed 0.00009; ESP Exome Variant Server 0.00015.
gnomAD v4.1: 131 of 1,613,934 alleles (0.0081%); highest among the groups gnomAD compares: Non-Finnish European, 0.0094%; no homozygotes.

Submissions (2):

Labcorp Genetics (formerly Invitae), Labcorp
Classification: Likely benign for ALG9 congenital disorder of glycosylation. Last evaluated: 2025-02-27. Review status: criteria provided, single submitter. Criteria: Invitae Variant Classification Sherloc (09022015). Collection method: clinical testing. Allele origin: germline.

GeneDx
Classification: Likely benign. Last evaluated: 2017-01-16. Review status: criteria provided, single submitter. Criteria: GeneDx Variant Classification (06012015). Collection method: clinical testing. Allele origin: germline. Affected: yes.
Comment: This variant is considered likely benign or benign based on one or more of the following criteria: it is a conservative change, it occurs at a poorly conserved position in the protein, it is predicted to be benign by multiple in silico algorithms, and/or has population frequency not consistent with disease.

NM_012463.4(ATP6V0A2):c.2308C>T (p.Leu770=)

Gene: ATP6V0A2 (ATPase H+ transporting V0 subunit a2; plus strand). Cytogenetic location: 12q24.31.
Variant type: single nucleotide variant.
Coding change: c.2308C>T on transcript NM_012463.4 (MANE Select); coding-DNA position 2308, C replaced by T.
Protein change: p.Leu770=; no amino-acid change (leucine 770 retained).
Molecular consequence: synonymous variant.
Genome position (GRCh38, 1-based): chr12:123,756,829, C>T. VCF-style: chr12-123756829-C-T. GRCh37 (hg19) VCF-style: chr12-124241376-C-T.
Identifiers: ClinVar variation 392693 (VCV000392693.5), dbSNP rs149439834, ClinGen allele CA6862212.